The following is an entry in ClinVar:

NM_000081.4(LYST):c.2720del (p.Leu907fs)

Gene: LYST (lysosomal trafficking regulator; minus strand). Cytogenetic location: 1q42.3.
Variant type: Deletion.
Coding change: c.2720del on transcript NM_000081.4 (MANE Select); coding-DNA position 2720, one base deleted (T; older notation c.2720delT).
Protein change: p.Leu907fs; shifts the reading frame from leucine 907.
Molecular consequence: frameshift variant.
Genome position (GRCh38, 1-based): chr1:235,806,416, A deleted on the plus strand (T on the coding strand, the reverse complement: LYST is on the minus strand); the first of 6 consecutive A bases (chr1:235,806,416-235,806,421); deleting any one gives the same sequence. VCF-style (leftmost placement, unchanged base first): chr1-235806415-TA-T. GRCh37 (hg19) VCF-style: chr1-235969715-TA-T.
Other names: c.2720del, p.Leu907fs (NM_001301365.1); c.2720delT (NM_000081.3); short protein forms L907fs.
Identifiers: ClinVar variation 2630158 (VCV002630158.1), dbSNP rs2527081103, ClinGen allele CA645538830.

ClinVar aggregate classification (germline): Likely pathogenic (1 of 4 stars; one submission).

Conditions:
LYST-related disorder. Also called: LYST-related condition.

Submission:

PreventionGenetics, part of Exact Sciences
Classification: Likely pathogenic for LYST-related condition. Last evaluated: 2023-01-31. Review status: criteria provided, single submitter. Criteria: ACMG Guidelines, 2015. Collection method: clinical testing. Allele origin: germline.
Comment: The LYST c.2720delT variant is predicted to result in a frameshift and premature protein termination (p.Leu907Tyrfs*3). To our knowledge, this variant has not been reported in the literature or in a large population database, indicating this variant is rare. Frameshift variants in LYST are expected to be pathogenic. This variant is interpreted as likely pathogenic.